The following is an entry in ClinVar:

ClinVar aggregate classification (germline): Pathogenic/Likely pathogenic. Review status: criteria provided, multiple submitters, no conflicts (2 of 4 stars). 3 submissions from 3 submitters: Pathogenic (1); Likely pathogenic (1). 1 of the submissions does not count toward it. Last evaluated 2025-01-07.

Conditions:
Charcot-Marie-Tooth disease. Also called: Charcot-Marie-Tooth Neuropathy; Charcot-Marie-Tooth Hereditary Neuropathy. Identifiers: Orphanet 166, MedGen C0007959, MONDO:0015626.
Charcot-Marie-Tooth disease type 2. Also called: Charcot-Marie-Tooth type 2. Identifiers: Orphanet 64746, MedGen C0270914, MONDO:0018993.

gnomAD v4.1: 1 of 1,614,162 alleles (0.000062%); highest among the groups gnomAD compares: South Asian, 0.0011%; no homozygotes.

Submissions (3):

GeneDx
Classification: Likely pathogenic. Last evaluated: 2025-01-07. Review status: criteria provided, single submitter. Criteria: GeneDx Variant Classification Process June 2021. Collection method: clinical testing. Allele origin: germline. Affected: yes.
Comment: In silico analysis supports that this missense variant has a deleterious effect on protein structure/function; This variant is associated with the following publications: (PMID: 25525159, 30442897, 33136338, 24863639, 19350291)

Labcorp Genetics (formerly Invitae), Labcorp
Classification: Pathogenic for Charcot-Marie-Tooth disease type 2. Last evaluated: 2018-12-27. Review status: criteria provided, single submitter. Criteria: Invitae Variant Classification Sherloc (09022015). Collection method: clinical testing. Allele origin: germline.
Comment: This sequence change replaces arginine with leucine at codon 259 of the MFN2 protein (p.Arg259Leu). The arginine residue is highly conserved and there is a moderate physicochemical difference between arginine and leucine. This variant is not present in population databases (ExAC no frequency). This variant has been observed to be de novo in an individual affected with Charcot-Marie-Tooth disease (PMID: 19350291). Algorithms developed to predict the effect of missense changes on protein structure and function (SIFT, PolyPhen-2, Align-GVGD) all suggest that this variant is likely to be disruptive, but these predictions have not been confirmed by published functional studies and their clinical significance is uncertain. This variant disrupts the p.Arg259 amino acid residue in MFN2. Other variant(s) that disrupt this residue have been observed in individuals with MFN2-related conditions (PMID: 25957633, 24450158, 22492563, 24863639, 24627108), suggesting that it is a clinically significant residue. As a result, variants that disrupt this residue are likely to be causative of disease. For these reasons, this variant has been classified as Pathogenic.

Inherited Neuropathy Consortium
Classification: Uncertain significance for Charcot-Marie-Tooth disease. Review status: no assertion criteria provided. Collection method: literature only. Allele origin: germline. Affected: yes. Not counted in ClinVar's aggregate classification.

Literature cited by the submitters: PubMed 19350291 (cited by Labcorp Genetics (formerly Invitae), Labcorp and Inherited Neuropathy Consortium); PubMed 25957633 (cited by Labcorp Genetics (formerly Invitae), Labcorp); PubMed 24450158 (cited by Labcorp Genetics (formerly Invitae), Labcorp); PubMed 22492563 (cited by Labcorp Genetics (formerly Invitae), Labcorp); PubMed 24863639 (cited by Labcorp Genetics (formerly Invitae), Labcorp); PubMed 24627108 (cited by Labcorp Genetics (formerly Invitae), Labcorp).

NM_014874.4(MFN2):c.776G>T (p.Arg259Leu)

Gene: MFN2 (mitofusin 2; plus strand). Cytogenetic location: 1p36.22.
Variant type: single nucleotide variant.
Coding change: c.776G>T on transcript NM_014874.4 (MANE Select); coding-DNA position 776, G replaced by T.
Protein change: p.Arg259Leu; replaces arginine 259 with leucine.
Molecular consequence: missense variant.
Genome position (GRCh38, 1-based): chr1:11,999,055, G>T. VCF-style: chr1-11999055-G-T. GRCh37 (hg19) VCF-style: chr1-12059112-G-T.
Other names: c.776G>T, p.Arg259Leu (NM_001127660.2); short protein forms R259L.
Identifiers: ClinVar variation 637279 (VCV000637279.10), dbSNP rs755065651, ClinGen allele CA338439249.
Genomic context (GRCh38, chr1:11,999,055, plus strand): 5'-ACTTCTTCCACAAGGTGAGTGAGCGTCTCTCCCGGCCAAACATCTTCATCCTGAACAACC[G>T]CTGGGATGCATCTGCCTCAGAGCCCGAGTACATGGAGGAGGTTCGTGCTTCTGTTTGGCA-3'
Protein context (NP_055689.1, residues 249-269): SRPNIFILNN[Arg259Leu]WDASASEPEY